The following is an entry in ClinVar:

ClinVar aggregate classification (germline): Uncertain significance (1 of 4 stars; one submission).

Conditions:
Hereditary cancer-predisposing syndrome. Also called: Hereditary Cancer Syndrome; Neoplastic Syndromes, Hereditary; Tumor predisposition; Hereditary neoplastic syndrome. Identifiers: Orphanet 140162, MedGen C0027672, MeSH D009386, MONDO:0015356.

Submission:

Ambry Genetics
Classification: Uncertain significance for Hereditary cancer-predisposing syndrome. Last evaluated: 2022-01-19. Review status: criteria provided, single submitter. Criteria: Ambry Variant Classification Scheme 2023. Collection method: clinical testing. Allele origin: germline.
Comment: The p.S339I variant (also known as c.1016G>T), located in coding exon 9 of the APC gene, results from a G to T substitution at nucleotide position 1016. The serine at codon 339 is replaced by isoleucine, an amino acid with dissimilar properties. This amino acid position is conserved. In addition, in silico predictors for this gene do not accurately predict pathogenicity. Since supporting evidence is limited at this time, the clinical significance of this alteration remains unclear.

NM_000038.6(APC):c.1016G>T (p.Ser339Ile)

Gene: APC (APC regulator of Wnt signaling pathway; plus strand). Cytogenetic location: 5q22.2.
Variant type: single nucleotide variant.
Coding change: c.1016G>T on transcript NM_000038.6 (MANE Select); coding-DNA position 1016, G replaced by T.
Protein change: p.Ser339Ile; replaces serine 339 with isoleucine.
Molecular consequence: missense variant. On other transcripts: intron variant (4).
Genome position (GRCh38, 1-based): chr5:112,819,048, G>T. VCF-style: chr5-112819048-G-T. GRCh37 (hg19) VCF-style: chr5-112154745-G-T.
Other names: c.1016G>T, p.Ser339Ile (NM_001127510.3, NM_001354895.2, NM_001354896.2 and 4 more transcripts); c.962G>T, p.Ser321Ile (NM_001127511.3); c.1046G>T, p.Ser349Ile (NM_001354897.2, NM_001407446.1); c.941G>T, p.Ser314Ile (NM_001354898.2, NM_001407451.1); c.932G>T, p.Ser311Ile (NM_001354899.2, NM_001407452.1); c.839G>T, p.Ser280Ile (NM_001354900.2, NM_001354901.2, NM_001407453.1); c.167G>T, p.Ser56Ile (NM_001354906.2, NM_001407470.1); c.964-221G>T (NM_001354902.2); and 3 more; short protein forms S311I, S321I, S280I, S349I, S314I, S339I, S56I.
Identifiers: ClinVar variation 1745618 (VCV001745618.2), dbSNP rs1554079972, ClinGen allele CA16023534.